The following is an entry in ClinVar:

NM_003242.6(TGFBR2):c.374A>G (p.Glu125Gly)

Gene: TGFBR2 (transforming growth factor beta receptor 2; plus strand). Cytogenetic location: 3p24.1.
Variant type: single nucleotide variant.
Coding change: c.374A>G on transcript NM_003242.6 (MANE Select); coding-DNA position 374, A replaced by G.
Protein change: p.Glu125Gly; replaces glutamic acid 125 with glycine.
Molecular consequence: missense variant.
Genome position (GRCh38, 1-based): chr3:30,650,380, A>G. VCF-style: chr3-30650380-A-G. GRCh37 (hg19) VCF-style: chr3-30691872-A-G.
Other names: c.449A>G, p.Glu150Gly (NM_001024847.3, NM_001407126.1, NM_001407139.1); c.374A>G, p.Glu125Gly (NM_001407127.1, NM_001407130.1); c.401A>G, p.Glu134Gly (NM_001407128.1); c.269A>G, p.Glu90Gly (NM_001407129.1, NM_001407132.1, NM_001407133.1 and 3 more transcripts); short protein forms E125G, E150G, E134G, E90G.
Identifiers: ClinVar variation 1518568 (VCV001518568.11), dbSNP rs762282124, ClinGen allele CA048087.

ClinVar aggregate classification (germline): Uncertain significance. Review status: criteria provided, multiple submitters, no conflicts (2 of 4 stars). 4 submissions from 4 submitters: Uncertain significance (4). Last evaluated 2025-04-02.

Conditions:
Familial thoracic aortic aneurysm and aortic dissection (TAAD). Also called: Thoracic aortic aneurysms and dissections. Identifiers: Orphanet 91387, MedGen C4707243, MONDO:0019625.

Allele frequency attached by ClinVar (database versions not stated): TOPMed 0.00002; ExAC 0.00003; gnomAD exomes 0.00003.

Submissions (4):

Ambry Genetics
Classification: Uncertain significance for Familial thoracic aortic aneurysm and aortic dissection. Last evaluated: 2025-04-02. Review status: criteria provided, single submitter. Criteria: Ambry Variant Classification Scheme 2023. Collection method: clinical testing. Allele origin: germline.

GeneDx
Classification: Uncertain significance. Last evaluated: 2024-12-08. Review status: criteria provided, single submitter. Criteria: GeneDx Variant Classification Process June 2021. Collection method: clinical testing. Allele origin: germline. Affected: yes.
Comment: Not observed at significant frequency in large population cohorts (gnomAD); In silico analysis supports that this missense variant has a deleterious effect on protein structure/function; Has not been previously published as pathogenic or benign to our knowledge

Labcorp Genetics (formerly Invitae), Labcorp
Classification: Uncertain significance for Familial thoracic aortic aneurysm and aortic dissection. Last evaluated: 2024-04-19. Review status: criteria provided, single submitter. Criteria: Invitae Variant Classification Sherloc (09022015). Collection method: clinical testing. Allele origin: germline.
Comment: This sequence change replaces glutamic acid, which is acidic and polar, with glycine, which is neutral and non-polar, at codon 125 of the TGFBR2 protein (p.Glu125Gly). This variant is present in population databases (rs762282124, gnomAD 0.02%). This variant has not been reported in the literature in individuals affected with TGFBR2-related conditions. ClinVar contains an entry for this variant (Variation ID: 1518568). Advanced modeling of protein sequence and biophysical properties (such as structural, functional, and spatial information, amino acid conservation, physicochemical variation, residue mobility, and thermodynamic stability) has been performed at Invitae for this missense variant, however the output from this modeling did not meet the statistical confidence thresholds required to predict the impact of this variant on TGFBR2 protein function. In summary, the available evidence is currently insufficient to determine the role of this variant in disease. Therefore, it has been classified as a Variant of Uncertain Significance.

Color Diagnostics, LLC DBA Color Health
Classification: Uncertain significance for Familial thoracic aortic aneurysm and aortic dissection. Last evaluated: 2024-02-05. Review status: criteria provided, single submitter. Criteria: ACMG Guidelines, 2015. Collection method: clinical testing. Allele origin: germline.
Comment: This missense variant replaces glutamic acid with glycine at codon 125 of the TGFBR2 protein. Computational prediction suggests that this variant may have deleterious impact on protein structure and function (internally defined REVEL score threshold >= 0.7, PMID: 27666373). To our knowledge, functional studies have not been reported for this variant. This variant has not been reported in individuals affected with TGFBR2-related disorders in the literature. This variant has been identified in 5/183064 chromosomes in the general population by the Genome Aggregation Database (gnomAD). The available evidence is insufficient to determine the role of this variant in disease conclusively. Therefore, this variant is classified as a Variant of Uncertain Significance.